The following is an entry in ClinVar:

NM_004715.5(CTDP1):c.136G>A (p.Gly46Ser)

Gene: CTDP1 (CTD phosphatase subunit 1; plus strand). Cytogenetic location: 18q23.
Variant type: single nucleotide variant.
Coding change: c.136G>A on transcript NM_004715.5 (MANE Select); coding-DNA position 136, G replaced by A.
Protein change: p.Gly46Ser; replaces glycine 46 with serine.
Molecular consequence: missense variant.
Genome position (GRCh38, 1-based): chr18:79,680,083, G>A. VCF-style: chr18-79680083-G-A. GRCh37 (hg19) VCF-style: chr18-77440083-G-A.
Other names: c.136G>A, p.Gly46Ser (NM_001318511.2, NM_048368.4); short protein forms G46S.
Identifiers: ClinVar variation 2173452 (VCV002173452.3), dbSNP rs2511987292, ClinGen allele CA402825028.

ClinVar aggregate classification (germline): Uncertain significance. Review status: criteria provided, multiple submitters, no conflicts (2 of 4 stars). 2 submissions from 2 submitters: Uncertain significance (2). Last evaluated 2024-05-12.

gnomAD v4.1: 2 of 1,291,246 alleles (0.00015%); highest among the groups gnomAD compares: Non-Finnish European, 0.0002%; no homozygotes.

Submissions (2):

Ambry Genetics
Classification: Uncertain significance. Last evaluated: 2024-05-12. Review status: criteria provided, single submitter. Criteria: Ambry Variant Classification Scheme 2023. Collection method: clinical testing. Allele origin: germline.

Labcorp Genetics (formerly Invitae), Labcorp
Classification: Uncertain significance. Last evaluated: 2023-11-27. Review status: criteria provided, single submitter. Criteria: Invitae Variant Classification Sherloc (09022015). Collection method: clinical testing. Allele origin: germline.
Comment: This sequence change replaces glycine, which is neutral and non-polar, with serine, which is neutral and polar, at codon 46 of the CTDP1 protein (p.Gly46Ser). This variant is not present in population databases (gnomAD no frequency). This variant has not been reported in the literature in individuals affected with CTDP1-related conditions. ClinVar contains an entry for this variant (Variation ID: 2173452). An algorithm developed to predict the effect of missense changes on protein structure and function (PolyPhen-2) suggests that this variant is likely to be disruptive. In summary, the available evidence is currently insufficient to determine the role of this variant in disease. Therefore, it has been classified as a Variant of Uncertain Significance.